The following is an entry in ClinVar:

ClinVar aggregate classification (germline): Pathogenic (1 of 4 stars; one submission).

Conditions:
Charcot-Marie-Tooth disease type 4. Also called: Charcot-Marie-Tooth disease, type IV; Charcot-Marie-Tooth, Type 4. Identifiers: Orphanet 64749, MedGen C4082197, MONDO:0018995.

Submission:

Labcorp Genetics (formerly Invitae), Labcorp
Classification: Pathogenic for Charcot-Marie-Tooth disease type 4. Last evaluated: 2019-12-23. Review status: criteria provided, single submitter. Criteria: Invitae Variant Classification Sherloc (09022015). Collection method: clinical testing. Allele origin: germline.
Comment: For these reasons, this variant has been classified as Pathogenic. Loss-of-function variants in FGD4 are known to be pathogenic (PMID: 17564972). This variant has not been reported in the literature in individuals with FGD4-related conditions. This variant is not present in population databases (ExAC no frequency). This sequence change creates a premature translational stop signal (p.Leu214Phefs*15) in the FGD4 gene. It is expected to result in an absent or disrupted protein product.

Literature cited by the submitters: PubMed 17564972.

NM_001370298.3(FGD4):c.1051del (p.Leu351fs)

Gene: FGD4 (FYVE, RhoGEF and PH domain containing 4; plus strand). Cytogenetic location: 12p11.21.
Variant type: Deletion.
Coding change: c.1051del on transcript NM_001370298.3 (MANE Select); coding-DNA position 1051, one base deleted (C; older notation c.1051delC).
Protein change: p.Leu351fs; shifts the reading frame from leucine 351.
Molecular consequence: frameshift variant. On other transcripts: 5 prime UTR variant (2).
Genome position (GRCh38, 1-based): chr12:32,598,536, C deleted. VCF-style (leftmost placement, unchanged base first): chr12-32598535-AC-A. GRCh37 (hg19) VCF-style: chr12-32751469-AC-A.
Other names: c.895delC, p.Leu299Phefs (NM_001304481.2); c.-205del (NM_001304483.2); c.-512del (NM_001304484.2); c.361del, p.Leu121fs (NM_001330373.2, NM_001330374.2, NM_001384130.1); c.88del, p.Leu30fs (NM_001370297.1); c.1051del, p.Leu351fs (NM_001384126.1); c.640del, p.Leu214fs (NM_001384127.1, NM_001384128.1, NM_001385118.1 and 1 more transcripts); short protein forms L30fs, L214fs, L121fs, L299fs, L351fs.
Identifiers: ClinVar variation 856785 (VCV000856785.8), dbSNP rs1948089932, ClinGen allele CA916083296.